The following is an entry in ClinVar:

ClinVar aggregate classification (germline): Uncertain significance. Review status: criteria provided, multiple submitters, no conflicts (2 of 4 stars). 2 submissions from 2 submitters: Uncertain significance (2). Last evaluated 2025-08-13.

Conditions:
Arrhythmogenic right ventricular dysplasia 9 (ARVD9). Also called: Arrhythmogenic Right Ventricular Dysplasia/Cardiomyopathy 9; ARRHYTHMOGENIC RIGHT VENTRICULAR DYSPLASIA, FAMILIAL, 9. Identifiers: MedGen C1836906, MONDO:0012180, OMIM 609040.

Submissions (2):

GeneDx
Classification: Uncertain significance. Last evaluated: 2025-08-13. Review status: criteria provided, single submitter. Criteria: GeneDx Variant Classification Process June 2021. Collection method: clinical testing. Allele origin: germline. Affected: yes.
Comment: Not observed at significant frequency in large population cohorts (gnomAD); In silico analysis supports that this missense variant has a deleterious effect on protein structure/function; Has not been previously published as pathogenic or benign to our knowledge

Labcorp Genetics (formerly Invitae), Labcorp
Classification: Uncertain significance for Arrhythmogenic right ventricular dysplasia 9. Last evaluated: 2022-08-18. Review status: criteria provided, single submitter. Criteria: Invitae Variant Classification Sherloc (09022015). Collection method: clinical testing. Allele origin: germline.
Comment: This variant is not present in population databases (gnomAD no frequency). This sequence change replaces glutamine, which is neutral and polar, with leucine, which is neutral and non-polar, at codon 378 of the PKP2 protein (p.Gln378Leu). In summary, the available evidence is currently insufficient to determine the role of this variant in disease. Therefore, it has been classified as a Variant of Uncertain Significance. Algorithms developed to predict the effect of missense changes on protein structure and function are either unavailable or do not agree on the potential impact of this missense change (SIFT: "Deleterious"; PolyPhen-2: "Benign"; Align-GVGD: "Class C65"). ClinVar contains an entry for this variant (Variation ID: 1442222). This variant has not been reported in the literature in individuals affected with PKP2-related conditions.

NM_001005242.3(PKP2):c.1133A>T (p.Gln378Leu)

Gene: PKP2 (plakophilin 2; minus strand). Cytogenetic location: 12p11.21.
Variant type: single nucleotide variant.
Coding change: c.1133A>T on transcript NM_001005242.3 (MANE Select); coding-DNA position 1133, A replaced by T.
Protein change: p.Gln378Leu; replaces glutamine 378 with leucine.
Molecular consequence: missense variant.
Genome position (GRCh38, 1-based): chr12:32,868,964, T>A on the plus strand (A>T on the coding strand, the complement: PKP2 is on the minus strand). VCF-style: chr12-32868964-T-A. GRCh37 (hg19) VCF-style: chr12-33021898-T-A.
Other names: c.1133A>T, p.Gln378Leu (NM_004572.4); c.1133A>T (NM_004572.3); short protein forms Q378L.
Identifiers: ClinVar variation 1442222 (VCV001442222.7), dbSNP rs1956873618, ClinGen allele CA384359176.